The following is an entry in ClinVar:

NM_003737.4(DCHS1):c.6044C>T (p.Ser2015Phe)

Gene: DCHS1 (dachsous cadherin-related 1; minus strand). Cytogenetic location: 11p15.4.
Variant type: single nucleotide variant.
Coding change: c.6044C>T on transcript NM_003737.4 (MANE Select); coding-DNA position 6044, C replaced by T.
Protein change: p.Ser2015Phe; replaces serine 2015 with phenylalanine.
Molecular consequence: missense variant.
Genome position (GRCh38, 1-based): chr11:6,626,995, G>A on the plus strand (C>T on the coding strand, the complement: DCHS1 is on the minus strand). VCF-style: chr11-6626995-G-A. GRCh37 (hg19) VCF-style: chr11-6648226-G-A.
Other names: short protein forms S2015F.
Identifiers: ClinVar variation 4977124 (VCV004977124.1).
Genomic context (GRCh38, chr11:6,626,995, plus strand): 5'-ACACGATCTCGGGGGCCTAGAGCTACAGGAGAGCGGGCCACGCGGATTTCACCAGTGTAA[G>A]AGTCCACAGTAGTGCCAGGAGGTGGTGTGCCTGCCAGCCGGTACAGAATGGAAGCATTGG-3'
Protein context (NP_003728.1, residues 2005-2025): GTPPPGTTVD[Ser2015Phe]YTGEIRVARS

ClinVar aggregate classification (germline): Uncertain significance (1 of 4 stars; one submission).

Conditions:
DCHS1-related disorder. Also called: DCHS1-related condition.

gnomAD v4.1: 2 of 1,613,672 alleles (0.00012%); highest among the groups gnomAD compares: Admixed American, 0.0033%; no homozygotes.

Submission:

PreventionGenetics, part of Exact Sciences
Classification: Uncertain significance for DCHS1-related condition. Last evaluated: 2026-05-24. Review status: criteria provided, single submitter. Criteria: ACMG Guidelines, 2015. Collection method: clinical testing. Allele origin: germline.
Comment: The DCHS1 c.6044C>T variant is predicted to result in the amino acid substitution p.Ser2015Phe. To our knowledge, this variant has not been reported in the literature or in a large population database (gnomAD), indicating this variant is rare. At this time, the clinical significance of this variant is uncertain due to the absence of conclusive functional and genetic evidence.